The following is an entry in ClinVar:

ClinVar aggregate classification (germline): Uncertain significance (1 of 4 stars; one submission).

Conditions:
Long QT syndrome (LQTS). Identifiers: MedGen C0023976, MeSH D008133, MONDO:0002442. Disease mechanism: loss of function. Inheritance: Various modes of inheritance.

gnomAD v4.1: 2 of 1,614,116 alleles (0.00012%); highest among the groups gnomAD compares: Non-Finnish European, 0.000085%; no homozygotes.

Submission:

Labcorp Genetics (formerly Invitae), Labcorp
Classification: Uncertain significance for Long QT syndrome. Last evaluated: 2025-02-18. Review status: criteria provided, single submitter. Criteria: Invitae Variant Classification Sherloc (09022015). Collection method: clinical testing. Allele origin: germline.
Comment: This sequence change replaces methionine, which is neutral and non-polar, with lysine, which is basic and polar, at codon 3292 of the ANK2 protein (p.Met3292Lys). This variant is not present in population databases (gnomAD no frequency). This variant has not been reported in the literature in individuals affected with ANK2-related conditions. An algorithm developed to predict the effect of missense changes on protein structure and function (PolyPhen-2) suggests that this variant is likely to be tolerated. In summary, the available evidence is currently insufficient to determine the role of this variant in disease. Therefore, it has been classified as a Variant of Uncertain Significance.

NM_001148.6(ANK2):c.9875T>A (p.Met3292Lys)

Gene: ANK2 (ankyrin 2; plus strand). Cytogenetic location: 4q26.
Variant type: single nucleotide variant.
Coding change: c.9875T>A on transcript NM_001148.6 (MANE Select); coding-DNA position 9875, T replaced by A.
Protein change: p.Met3292Lys; replaces methionine 3292 with lysine.
Molecular consequence: missense variant. On other transcripts: intron variant (68).
Genome position (GRCh38, 1-based): chr4:113,358,493, T>A. VCF-style: chr4-113358493-T-A. GRCh37 (hg19) VCF-style: chr4-114279649-T-A.
Other names: c.9641T>A, p.Met3214Lys (NM_001386142.1); c.6275T>A, p.Met2092Lys (NM_001386166.1); c.10016T>A, p.Met3339Lys (NM_001386174.1); c.9992T>A, p.Met3331Lys (NM_001386175.1); c.4412-2330T>A (NM_001386186.2, NM_001386148.2); c.4214-2330T>A (NM_001354269.3); c.4292-2330T>A (NM_001386187.2); c.4253-2330T>A (NM_001386147.1); and 35 more; short protein forms M3214K, M2092K, M3331K, M3339K, M3292K.
Identifiers: ClinVar variation 4743447 (VCV004743447.1).
Genomic context (GRCh38, chr4:113,358,493, plus strand): 5'-ATTCTCCCGATTCTTCCCCAGAAGAACAGAAATCAGTAATCGAGATTCCTACTGCACCCA[T>A]GGAGAATGTGCCTTTTACTGAAAGCAAATCCAAAATTCCTGTAAGGACTATGCCCACTTC-3'
Protein context (NP_001139.3, residues 3282-3302): KSVIEIPTAP[Met3292Lys]ENVPFTESKS